The following continues an entry in ClinVar:

NM_000257.4(MYH7):c.5690G>A (p.Arg1897His)

Gene: MYH7. ClinVar aggregate classification (germline): Conflicting classifications of pathogenicity. Likely pathogenic (1); Uncertain significance (11).

Submissions 8 to 15 of 15:

GeneDx
Classification: Uncertain significance. Last evaluated: 2024-01-25. Review status: criteria provided, single submitter. Criteria: GeneDx Variant Classification Process June 2021. Collection method: clinical testing. Allele origin: germline. Affected: yes.
Comment: Identified in multiple patients with cardiomyopathy, including a deceased infant with left ventricular cardiomyopathy (LVNC) and a family history of sudden cardiac death (PMID: 25351510, 31980526, 36252119); Identified with a second variant in a patient with Ebstein anomaly and left ventricular noncompaction in the literature (PMID: 33500567); Not observed at significant frequency in large population cohorts (gnomAD); In silico analysis supports that this missense variant has a deleterious effect on protein structure/function; This variant is associated with the following publications: (PMID: 27532257, 35284542, 31983221, 31980526, 33500567, 36243179, 36252119, 25351510, 30847666)

Fulgent Genetics
Classification: Uncertain significance for MYH7-related skeletal myopathy; Hypertrophic cardiomyopathy 1; Myopathy, myosin storage, autosomal recessive; Myosin storage myopathy; Dilated cardiomyopathy 1S. Last evaluated: 2024-01-05. Review status: criteria provided, single submitter. Criteria: ACMG Guidelines, 2015. Collection method: clinical testing. Allele origin: germline.

Laboratory for Molecular Medicine, Mass General Brigham Personalized Medicine
Classification: Uncertain significance. Last evaluated: 2020-10-05. Review status: criteria provided, single submitter. Criteria: LMM Criteria. Collection method: clinical testing. Allele origin: germline. Observed: 2 variant alleles.
Comment: proposed classification - variant undergoing re-assessment, contact laboratory

Victorian Clinical Genetics Services, Murdoch Childrens Research Institute
Classification: Uncertain significance for Left ventricular noncompaction. Last evaluated: 2020-05-21. Review status: criteria provided, single submitter. Criteria: ACMG Guidelines, 2015. Collection method: clinical testing. Allele origin: germline. Affected: yes.
Comment: Based on the classification scheme VCGS_Germline_v1.1.1, this variant is classified as a 3B-VUS. Following criteria are met: 0104 - Dominant Negative is a mechanism of disease for this gene (PMID 17947214). (N) 0108 - This gene is typically associated with dominant disease, however biallelic cases have been reported in association with a more severe, early presentation (PMID 29300372; 30924982). (N) 0112 - Variants in this gene are known to have reduced penetrance (PMID 29300372). (N) 0200 - Variant is predicted to result in a missense amino acid change from an arginine to a histidine (exon 39). (N) 0251 - Variant is heterozygous. (N) 0302 - Variant is present in gnomAD <0.001 for a dominant condition (1 heterozygote, 0 homozygotes). (P) 0309 - An alternative amino acid change at the same position has been observed in gnomAD (3 heterozygotes, 0 homozygotes). (N) 0501 - Missense variant consistently predicted to be damaging by multiple in silico tools or highly conserved with a major amino acid change. (P) 0600 - Variant is located in an annotated domain or motif (Myosin tail domain). (N) 0705 - No comparable variants have previous evidence for pathogenicity. (N) 0808 - Previous reports of pathogenicity are conflicting (ClinVar; PMID 25351510; 27532257; 28840316; 30847666) (N) 0905 - No segregation evidence has been identified for this variant. (N) 1007 - No published functional evidence has been identified for this variant. (N) 1208 - Inheritance information for this variant is not currently available. (N) Legend: (P) - Pathogenic, (N) - Neutral, (B) - Benign

CeGaT Center for Human Genetics Tuebingen
Classification: Uncertain significance. Last evaluated: 2019-03-01. Review status: criteria provided, single submitter. Criteria: CeGaT Center For Human Genetics Tuebingen Variant Classification Criteria Version 2. Collection method: clinical testing. Allele origin: germline. Affected: yes. Observed: 2 variant alleles.

Agnes Ginges Centre for Molecular Cardiology, Centenary Institute
Classification: Uncertain significance for Left ventricular noncompaction cardiomyopathy. Last evaluated: 2020-01-06. Review status: no assertion criteria provided. Collection method: research. Allele origin: germline. Inheritance: Autosomal dominant inheritance. Affected: yes. Not counted in ClinVar's aggregate classification.
Comment: MYH7 Arg1897His has been reported multiple times in patients with varying and mixed phenotypes. It has been reported in at least 2 probands with hypertrophic cardiomyopathy (Walsh R, et al., 2017; Da Rocha Lopes LM, 2015) as well as 1 proband with childhood-onset dilated cardiomyopathy (Genedx, Pers. Comm.). A child with LVNC has been reported to carry this variant and an MYH7 splice variant (Praxis fuer Humangenetik Tuebingen, Pers. Comm.). The Laboratory of Molecular Medicine has identified this variant in a newborn with Epstein's anomoly, atrial septal defect, arrhythmia and LVNC, however they also had an MYH7 nonsense variant (Pers. Comm.). Invitae have identified this variant in a patient with DCM and non-compaction (Pers. Comm.). MYH7 Arg1897His is present at a low frequency in the Genome Aggregation Database (AF= 0.000004). In silico tools SIFT, PolyPhen2, CADD predict this variant to be deleterious. Based on the adapted ACMG guidelines (Kelly MA, et al., 2018), this variant is rare in the general population (PM2), has been identified in multiple similar cases (PS4_Moderate) and in silico tools predict it to deleterious (PP3), therefore we classify MYH7 Arg1897His as a variant of 'uncertain significance'.

Clinical Genetics, Academic Medical Center
Classification: Uncertain significance. Review status: no assertion criteria provided. Collection method: clinical testing. Allele origin: germline. Affected: yes. Study: VKGL Data-share Consensus. Not counted in ClinVar's aggregate classification.

Joint Genome Diagnostic Labs from Nijmegen and Maastricht, Radboudumc and MUMC+
Classification: Uncertain significance. Review status: no assertion criteria provided. Collection method: clinical testing. Allele origin: germline. Affected: yes. Study: VKGL Data-share Consensus. Not counted in ClinVar's aggregate classification.

Literature cited by the submitters: PubMed 25351510 (cited by 7 submitters); PubMed 27532257 (cited by 8 submitters); PubMed 31983221 (cited by 6 submitters); PubMed 33500567 (cited by 5 submitters); PubMed 36252119 (cited by 5 submitters); PubMed 31980526 (cited by Mayo Clinic Laboratories, Mayo Clinic and Ambry Genetics); PubMed 37652022 (cited by Mayo Clinic Laboratories, Mayo Clinic); PubMed 39429584 (cited by Mayo Clinic Laboratories, Mayo Clinic); PubMed 27247418 (cited by Ambry Genetics); PubMed 30847666 (cited by 4 submitters); PubMed 33495597 (cited by Ambry Genetics); PubMed 35284542 (cited by 3 submitters); PubMed 17947214 (cited by Victorian Clinical Genetics Services, Murdoch Childrens Research Institute); PubMed 28840316 (cited by Victorian Clinical Genetics Services, Murdoch Childrens Research Institute); PubMed 29300372 (cited by Victorian Clinical Genetics Services, Murdoch Childrens Research Institute); PubMed 30924982 (cited by Victorian Clinical Genetics Services, Murdoch Childrens Research Institute).